The following is an entry in ClinVar:

ClinVar aggregate classification (germline): Likely pathogenic (1 of 4 stars; one submission).

Conditions:
Hereditary factor VIII deficiency disease (HEMA). Also called: HEMOPHILIA, CLASSIC; Hemophilia A, congenital; HEM A; Factor 8 deficiency, congenital; AUTOSOMAL HEMOPHILIA A; Hemophilia A. Identifiers: Orphanet 98878, MedGen C0019069, MONDO:0010602, OMIM 306700.

gnomAD v4.1: 1 of 1,208,912 alleles (0.000083%); highest among the groups gnomAD compares: Non-Finnish European, 0.00011%; no homozygotes.

Submission:

Human Genetic Diversity Lab, University of the Republic of Uruguay
Classification: Likely pathogenic for Hereditary factor VIII deficiency disease. Last evaluated: 2026-02-02. Review status: criteria provided, single submitter. Criteria: ACMG Guidelines, 2015. Collection method: research. Allele origin: maternal. Inheritance: X-linked inheritance. Affected: yes. Observed: 2 variant alleles, 1 heterozygote, 1 hemizygote.
Comment: The p.Asn2157Ser variant in F8 has not been reported in public hemophilia databases such as EAHAD and CHAMP variation list, and it is absent from large population databases; it was not found in ExAC or 1000G PM2 (Moderate). The variant is a missense change in exon 23, affecting the C1 domain of the coagulation factor VIII gene. ClinGen classifies it as PM1 (Moderate). It resides in the C1 functional domain, which is enriched with pathogenic variants linked to hemophilia A. PP3 (Supporting): Multiple in silico prediction tools indicate a damaging effect on protein structure and/or function. PP4 (Supporting): The patient exhibits a highly specific phenotype (mild hemophilia A) consistent with a well-established gene–disease relationship, and the variant is present in the expected hemizygous state. In conclusion, the variant meets ClinGen criteria for classifying it as Likely Pathogenic based on segregation studies, absence from control groups, and functional evidence.

Literature cited by the submitters: DOI 10.1056/NEJMsr1406261; DOI 10.1111/hae.13947.

NM_000132.4(F8):c.6470A>G (p.Asn2157Ser)

Gene: F8 (coagulation factor VIII; minus strand). Cytogenetic location: Xq28.
Variant type: single nucleotide variant.
Coding change: c.6470A>G on transcript NM_000132.4 (MANE Select); coding-DNA position 6470, A replaced by G.
Protein change: p.Asn2157Ser; replaces asparagine 2157 with serine.
Molecular consequence: missense variant.
Genome position (GRCh38, 1-based): chrX:154,863,187, T>C on the plus strand (A>G on the coding strand, the complement: F8 is on the minus strand). VCF-style: chrX-154863187-T-C. GRCh37 (hg19) VCF-style: chrX-154091462-T-C.
Other names: c.65A>G, p.Asn22Ser (NM_019863.3); short protein forms N2157S, N22S.
Identifiers: ClinVar variation 4755413 (VCV004755413.1).